The following is an entry in ClinVar:

NM_020166.5(MCCC1):c.1561G>A (p.Ala521Thr)

Gene: MCCC1 (methylcrotonyl-CoA carboxylase subunit 1; minus strand). Cytogenetic location: 3q27.1.
Variant type: single nucleotide variant.
Coding change: c.1561G>A on transcript NM_020166.5 (MANE Select); coding-DNA position 1561, G replaced by A.
Protein change: p.Ala521Thr; replaces alanine 521 with threonine.
Molecular consequence: missense variant. On other transcripts: non-coding transcript variant (1).
Genome position (GRCh38, 1-based): chr3:183,037,251, C>T on the plus strand (G>A on the coding strand, the complement: MCCC1 is on the minus strand). VCF-style: chr3-183037251-C-T. GRCh37 (hg19) VCF-style: chr3-182755039-C-T.
Other names: c.1210G>A, p.Ala404Thr (NM_001293273.2); c.1234G>A, p.Ala412Thr (NM_001363880.1); short protein forms A412T, A404T, A521T.
Identifiers: ClinVar variation 649123 (VCV000649123.12), dbSNP rs149957640, ClinGen allele CA2718750.
Genomic context (GRCh38, chr3:183,037,251, plus strand): 5'-CAGAGGAAAGAGAAAAGCCTTCCATACCATGTGCCTGAAGAGTGAAAGTGTCGGTCATGG[C>T]TTTCTCCTTGAGGATGAGACCCAGGGCTGCCTGGCATAAAGACTCTTTGGCTGCAGCCTT-3'
Protein context (NP_064551.3, residues 511-531): AALGLILKEK[Ala521Thr]MTDTFTLQAH

ClinVar aggregate classification (germline): Uncertain significance. Review status: criteria provided, multiple submitters, no conflicts (2 of 4 stars). 6 submissions from 6 submitters: Uncertain significance (5). 1 of the submissions does not count toward it. Last evaluated 2024-06-22.

Conditions:
Methylcrotonyl-CoA carboxylase deficiency. Also called: 3-MCC Deficiency; 3 Methylcrotonylglycinuria; Deficiency of methylcrotonoyl-CoA carboxylase. Identifiers: Orphanet 6, MedGen C4551505, MONDO:0018950.
3-methylcrotonyl-CoA carboxylase 1 deficiency (MCC1D). Also called: MCCD TYPE 1; METHYLCROTONYLGLYCINURIA TYPE I; MCC 1 deficiency; 3 Alpha methylcrotonylglycinuria 1. Identifiers: Orphanet 6, MedGen CN028786, MONDO:0008861, OMIM 210200.
Inborn genetic diseases. Identifiers: MedGen C0950123, MeSH D030342.

Allele frequency attached by ClinVar (database versions not stated): gnomAD 0.00012; TOPMed 0.00013; ESP Exome Variant Server 0.00015; 1000 Genomes Project 30x 0.00016; gnomAD exomes 0.00016 and 0.00018; ExAC 0.00018; 1000 Genomes Project 0.00020.
gnomAD v4.1: 271 of 1,613,994 alleles (0.017%); highest among the groups gnomAD compares: Admixed American, 0.033%; no homozygotes.

Submissions (6):

Ambry Genetics
Classification: Uncertain significance for Inborn genetic diseases. Last evaluated: 2024-06-22. Review status: criteria provided, single submitter. Criteria: Ambry Variant Classification Scheme 2023. Collection method: clinical testing. Allele origin: germline.

Labcorp Genetics (formerly Invitae), Labcorp
Classification: Uncertain significance for 3-methylcrotonyl-CoA carboxylase 1 deficiency. Last evaluated: 2022-07-25. Review status: criteria provided, single submitter. Criteria: Invitae Variant Classification Sherloc (09022015). Collection method: clinical testing. Allele origin: germline.
Comment: This sequence change replaces alanine, which is neutral and non-polar, with threonine, which is neutral and polar, at codon 521 of the MCCC1 protein (p.Ala521Thr). This variant is present in population databases (rs149957640, gnomAD 0.03%). This variant has not been reported in the literature in individuals affected with MCCC1-related conditions. ClinVar contains an entry for this variant (Variation ID: 649123). Algorithms developed to predict the effect of missense changes on protein structure and function (SIFT, PolyPhen-2, Align-GVGD) all suggest that this variant is likely to be tolerated. In summary, the available evidence is currently insufficient to determine the role of this variant in disease. Therefore, it has been classified as a Variant of Uncertain Significance.

Fulgent Genetics
Classification: Uncertain significance for 3-methylcrotonyl-CoA carboxylase 1 deficiency. Last evaluated: 2022-01-19. Review status: criteria provided, single submitter. Criteria: ACMG Guidelines, 2015. Collection method: clinical testing. Allele origin: unknown.

Baylor Genetics
Classification: Uncertain significance for 3-methylcrotonyl-CoA carboxylase 1 deficiency. Last evaluated: 2020-09-17. Review status: criteria provided, single submitter. Criteria: ACMG Guidelines, 2015. Collection method: clinical testing. Allele origin: unknown. Affected: yes.
Comment: This variant was determined to be of uncertain significance according to ACMG Guidelines, 2015 [PMID:25741868].

Illumina Laboratory Services, Illumina
Classification: Uncertain significance for 3-methylcrotonyl-CoA carboxylase 1 deficiency. Last evaluated: 2018-01-13. Review status: criteria provided, single submitter. Criteria: ICSL Variant Classification Criteria 13 December 2019. Collection method: clinical testing. Allele origin: germline.

Natera, Inc.
Classification: Uncertain significance for 3-methylcrotonylglycinuria. Last evaluated: 2020-04-23. Review status: no assertion criteria provided. Collection method: clinical testing. Allele origin: germline. Not counted in ClinVar's aggregate classification.